The following is an entry in ClinVar:

ClinVar aggregate classification (germline): Uncertain significance (0 of 4 stars; one submission).

Conditions:
GNAS-related disorder. Identifiers: MedGen CN380105.

gnomAD v4.1: 9 of 1,535,542 alleles (0.00059%); highest among the groups gnomAD compares: Non-Finnish European, 0.00078%; no homozygotes.

Submission:

PreventionGenetics, part of Exact Sciences
Classification: Uncertain significance for GNAS-related condition. Last evaluated: 2024-08-26. Review status: no assertion criteria provided. Collection method: clinical testing. Allele origin: germline.
Comment: The GNAS c.1172C>A variant is predicted to result in the amino acid substitution p.Pro391Gln. To our knowledge, this variant has not been reported in the literature. This variant is reported in 0.0030% of alleles in individuals of European (Non-Finnish) descent in gnomAD. At this time, the clinical significance of this variant is uncertain due to the absence of conclusive functional and genetic evidence.

NM_080425.4(GNAS):c.1359C>A (p.Pro453=)

Gene: GNAS (GNAS complex locus; plus strand). Cytogenetic location: 20q13.32.
Variant type: single nucleotide variant.
Coding change: c.1359C>A on transcript NM_080425.4 (MANE Plus Clinical); coding-DNA position 1359, C replaced by A.
Protein change: p.Pro453=; no amino-acid change (proline 453 retained).
Molecular consequence: synonymous variant. On other transcripts: missense variant (2), intron variant (3).
Genome position (GRCh38, 1-based): chr20:58,854,624, C>A. VCF-style: chr20-58854624-C-A. GRCh37 (hg19) VCF-style: chr20-57429679-C-A.
Other names: c.1172C>A, p.Pro391Gln (NM_001077490.3, NM_001309883.1); c.1359C>A, p.Pro453= (NM_001410913.1); c.*42+13738C>A (NM_016592.5); c.43+13738C>A (NM_001410912.1); c.-39+12749C>A (NM_001309861.2); short protein forms P391Q.
Identifiers: ClinVar variation 3345609 (VCV003345609.1).